The following is an entry in ClinVar:

ClinVar aggregate classification (germline): not provided (0 of 4 stars; one submission).

Conditions:
Normal pregnancy. Identifiers: MedGen C0232989.

Submission:

Institute of Molecular and Cell Biology, University of Tartu
No classification provided. Condition: Normal pregnancy. Review status: no classification provided. Collection method: case-control. Allele origin: unknown. Affected: yes. Study: Kasak2014.
Comment: The study aimed to determine the contribution of copy number variants in the genetic etiology of normal and complicated pregnancies. The samples represented (i) maternal blood DNA drawn from healthy pregnant women during 1st or 2nd trimester and (ii) maternal and paternal blood DNA drawn at term pregnancy cases representing normal and complicated gestations (severe preeclampsia, PE; gestational diabetes, GD; small-for-gestational age newborn, SGA; large-for-gestational age newborn, LGA). We performed CNV calling based on genome-wide genotyping dataset (Illumina HumanOmniExpress-24-v1 BeadChip) by applying three algorithms, QuantiSNP, GADA (Genome Alteration Detection Algorithm) and CNstream in parallel. The acquired CNV calls were merged with HD-CNV (Hotspot Detector for Copy Number Variants) program and only the CNVs predicted by at least two programs, were considered in subsequent analysis.

Literature cited by the submitters: PubMed 25666259.

Single allele

Genes: SNX29-AS3 (SNX29 antisense RNA 3; minus strand), LOC116276448 (CRISPRi-validated cis-regulatory element chr16.1337; plus strand), LOC126862291 (P300/CBP strongly-dependent group 1 enhancer GRCh37_chr16:12707003-12708202; plus strand). Cytogenetic location: 16p13.12.
Variant type: Deletion.
Identifiers: ClinVar variation 157356 (VCV000157356.2).